The following is an entry in ClinVar:

ClinVar aggregate classification (germline): Likely benign. Review status: criteria provided, multiple submitters, no conflicts (2 of 4 stars). 2 submissions from 2 submitters: Likely benign (2). Last evaluated 2026-06-12.

Conditions:
HSD17B4-related disorder. Also called: HSD17B4-related condition; HSD17B4-related disorders.
Bifunctional peroxisomal enzyme deficiency (DBIF). Also called: DBP DEFICIENCY; PBFE DEFICIENCY; D-bifunctional protein deficiency. Identifiers: Orphanet 300, MedGen C0342870, MONDO:0009855, OMIM 261515. Disease mechanism: loss of function.
Perrault syndrome. Also called: Gonadal dysgenesis with auditory dysfunction, autosomal recessive inheritance. Identifiers: Orphanet 2855, MedGen C0685838, MONDO:0017312.

Allele frequency attached by ClinVar (database versions not stated): gnomAD exomes below 0.00001 and 0.00001; gnomAD 0.00001.
gnomAD v4.1: 6 of 1,612,346 alleles (0.00037%); highest among the groups gnomAD compares: South Asian, 0.0066%; no homozygotes.

Submissions (2):

PreventionGenetics, part of Exact Sciences
Classification: Likely benign for HSD17B4-related condition. Last evaluated: 2026-06-12. Review status: criteria provided, single submitter. Criteria: ACMG Guidelines, 2015. Collection method: clinical testing. Allele origin: germline.
Comment: This variant is classified as likely benign based on ACMG/AMP sequence variant interpretation guidelines (Richards et al. 2015 PMID: 25741868, with internal and published modifications).

Labcorp Genetics (formerly Invitae), Labcorp
Classification: Likely benign for Perrault syndrome; Bifunctional peroxisomal enzyme deficiency. Last evaluated: 2023-08-03. Review status: criteria provided, single submitter. Criteria: Invitae Variant Classification Sherloc (09022015). Collection method: clinical testing. Allele origin: germline.

NM_000414.4(HSD17B4):c.177T>G (p.Val59=)

Gene: HSD17B4 (hydroxysteroid 17-beta dehydrogenase 4; plus strand). Cytogenetic location: 5q23.1.
Variant type: single nucleotide variant.
Coding change: c.177T>G on transcript NM_000414.4 (MANE Select); coding-DNA position 177, T replaced by G.
Protein change: p.Val59=; no amino-acid change (valine 59 retained).
Molecular consequence: synonymous variant. On other transcripts: 5 prime UTR variant (6), non-coding transcript variant (2).
Genome position (GRCh38, 1-based): chr5:119,473,972, T>G. VCF-style: chr5-119473972-T-G. GRCh37 (hg19) VCF-style: chr5-118809667-T-G.
Other names: c.252T>G, p.Val84= (NM_001199291.3); c.123T>G, p.Val41= (NM_001199292.2); c.105T>G, p.Val35= (NM_001292027.2); c.-235T>G (NM_001292028.2, NM_001374501.1); c.177T>G, p.Val59= (NM_001374497.1, NM_001374498.1); c.-104T>G (NM_001374499.1); c.-362T>G (NM_001374500.1); c.-240T>G (NM_001374502.1, NM_001374503.1); and 1 more.
Identifiers: ClinVar variation 1114863 (VCV001114863.10), dbSNP rs1460470115, ClinGen allele CA446040323.
Genomic context (GRCh38, chr5:119,473,972, plus strand): 5'-TGATTTGGGAGGGGACTTCAAAGGAGTTGGTAAAGGCTCCTTAGCTGCTGATAAGGTTGT[T>G]GAAGAAATAAGAAGGAGAGGTGGAAAAGCAGTGGCCAACTATGGTATGGTATTTGAGAGA-3'
Protein context (NP_000405.1, residues 49-69): GKGSLAADKV[Val59=]EEIRRRGGKA